The following is an entry in ClinVar:

NM_001845.6(COL4A1):c.3198+13C>T

Gene: COL4A1 (collagen type IV alpha 1 chain; minus strand). Cytogenetic location: 13q34.
Variant type: single nucleotide variant.
Coding change: c.3198+13C>T on transcript NM_001845.6 (MANE Select); 13 bases into the intron after coding-DNA position 3198, C replaced by T.
Molecular consequence: intron variant.
Genome position (GRCh38, 1-based): chr13:110,175,205, G>A on the plus strand (C>T on the coding strand, the complement: COL4A1 is on the minus strand). VCF-style: chr13-110175205-G-A. GRCh37 (hg19) VCF-style: chr13-110827552-G-A.
Identifiers: ClinVar variation 3384827 (VCV003384827.2).

ClinVar aggregate classification (germline): Likely benign. Review status: criteria provided, multiple submitters, no conflicts (2 of 4 stars). 2 submissions from 2 submitters: Likely benign (2). Last evaluated 2024-10-08.

gnomAD v4.1: 3 of 1,614,074 alleles (0.00019%); highest among the groups gnomAD compares: East Asian, 0.0045%; no homozygotes.

Submissions (2):

Women's Health and Genetics/Laboratory Corporation of America, LabCorp
Classification: Likely benign. Last evaluated: 2024-10-08. Review status: criteria provided, single submitter. Criteria: LabCorp Variant Classification Summary - May 2015. Collection method: clinical testing. Allele origin: germline.
Comment: Variant summary: COL4A1 c.3198+13C>T alters a non-conserved nucleotide located at a position not widely known to affect splicing. Consensus agreement among computation tools predict no significant impact on normal splicing. However, these predictions have yet to be confirmed by functional studies. The variant was absent in 251236 control chromosomes. The available data on variant occurrences in the general population are insufficient to allow any conclusion about variant significance. To our knowledge, no occurrence of c.3198+13C>T in individuals affected with Porencephaly 1 and no experimental evidence demonstrating its impact on protein function have been reported. No submitters have cited clinical-significance assessments for this variant to ClinVar. Based on the evidence outlined above, the variant was classified as likely benign.

Blueprint Genetics
Classification: Likely benign. Last evaluated: 2022-11-01. Review status: criteria provided, single submitter. Criteria: ACMG Guidelines, 2015. Collection method: clinical testing. Allele origin: germline.